The following is an entry in ClinVar:

ClinVar aggregate classification (germline): Uncertain significance (1 of 4 stars; one submission).

Conditions:
Frontometaphyseal dysplasia (FMD1). Identifiers: Orphanet 1826, MedGen C0265293, MONDO:0015942.
Heterotopia, periventricular, X-linked dominant (PVNH1). Also called: PERIVENTRICULAR NODULAR HETEROTOPIA 1; X-linked periventricular heterotopia; PERIVENTRICULAR NODULAR HETEROTOPIA 4; HETEROTOPIA, PERIVENTRICULAR, 1. Identifiers: Orphanet 2149, Orphanet 82004, MedGen C1848213, MONDO:0010233, OMIM 300049.
Melnick-Needles syndrome (MNS). Also called: MELNICK-NEEDLES OSTEODYSPLASTY; OSTEODYSPLASTY OF MELNICK AND NEEDLES; Melnick-Needles Syndrome (FLNA-MNS). Identifiers: Orphanet 2484, MedGen C0025237, MONDO:0010650, OMIM 309350.
Oto-palato-digital syndrome, type II (OPD2). Also called: OPD II SYNDROME; FACIOPALATOOSSEOUS SYNDROME; Otopalatodigital Syndrome Type 2 (FLNA-OPD2); Otopalatodigital Syndrome, Type II. Identifiers: Orphanet 669, Orphanet 90652, MedGen C1844696, MONDO:0010571, OMIM 304120.

Allele frequency attached by ClinVar (database versions not stated): gnomAD 0.00001; gnomAD exomes 0.00001; TOPMed 0.00001; ExAC 0.00002.

Submission:

Labcorp Genetics (formerly Invitae), Labcorp
Classification: Uncertain significance for Oto-palato-digital syndrome, type II; Heterotopia, periventricular, X-linked dominant; Frontometaphyseal dysplasia; Melnick-Needles syndrome. Last evaluated: 2024-11-11. Review status: criteria provided, single submitter. Criteria: Invitae Variant Classification Sherloc (09022015). Collection method: clinical testing. Allele origin: germline.
Comment: This sequence change falls in intron 15 of the FLNA gene. It does not directly change the encoded amino acid sequence of the FLNA protein. This variant is present in population databases (rs782393225, gnomAD 0.02%). This variant has not been reported in the literature in individuals affected with FLNA-related conditions. ClinVar contains an entry for this variant (Variation ID: 949963). In summary, the available evidence is currently insufficient to determine the role of this variant in disease. Therefore, it has been classified as a Variant of Uncertain Significance.

NM_001110556.2(FLNA):c.2281-6_2281-2dup

Gene: FLNA (filamin A; minus strand). Cytogenetic location: Xq28.
Variant type: Duplication.
Coding change: c.2281-6_2281-2dup on transcript NM_001110556.2 (MANE Select); 6 bases into the intron before coding-DNA position 2281 through the canonical splice acceptor site of the intron before coding-DNA position 2281, 5 bases duplicated (CTGCA; older notation c.2281-6_2281-2dupCTGCA).
Molecular consequence: splice acceptor variant.
Genome position (GRCh38, 1-based): chrX:154,362,786-154,362,790, TGCAG duplicated on the plus strand (CTGCA on the coding strand, the reverse complement: FLNA is on the minus strand). VCF-style (leftmost placement, unchanged base first): chrX-154362785-C-CTGCAG. GRCh37 (hg19) VCF-style: chrX-153591153-C-CTGCAG.
Other names: c.2281-6_2281-2dup (NM_001456.4).
Identifiers: ClinVar variation 949963 (VCV000949963.10), dbSNP rs782393225, ClinGen allele CA10560963.